The following is an entry in ClinVar:

ClinVar aggregate classification (germline): Uncertain significance (1 of 4 stars; one submission).

Conditions:
MHC class II deficiency. Also called: Bare lymphocyte syndrome 2; BLS, TYPE II. Identifiers: Orphanet 572, MedGen C5447452, MONDO:0008855.

Allele frequency attached by ClinVar (database versions not stated): gnomAD exomes 0.00001; TOPMed 0.00002.

Submission:

Labcorp Genetics (formerly Invitae), Labcorp
Classification: Uncertain significance for MHC class II deficiency. Last evaluated: 2022-01-27. Review status: criteria provided, single submitter. Criteria: Invitae Variant Classification Sherloc (09022015). Collection method: clinical testing. Allele origin: germline.
Comment: This sequence change replaces valine, which is neutral and non-polar, with isoleucine, which is neutral and non-polar, at codon 140 of the RFXANK protein (p.Val140Ile). This variant is present in population databases (no rsID available, gnomAD 0.003%). This variant has not been reported in the literature in individuals affected with RFXANK-related conditions. Algorithms developed to predict the effect of missense changes on protein structure and function (SIFT, PolyPhen-2, Align-GVGD) all suggest that this variant is likely to be disruptive. In summary, the available evidence is currently insufficient to determine the role of this variant in disease. Therefore, it has been classified as a Variant of Uncertain Significance.

NM_003721.4(RFXANK):c.418G>A (p.Val140Ile)

Gene: RFXANK (regulatory factor X associated ankyrin containing protein; plus strand). Cytogenetic location: 19p13.11.
Variant type: single nucleotide variant.
Coding change: c.418G>A on transcript NM_003721.4 (MANE Select); coding-DNA position 418, G replaced by A.
Protein change: p.Val140Ile; replaces valine 140 with isoleucine.
Molecular consequence: missense variant.
Genome position (GRCh38, 1-based): chr19:19,197,601, G>A. VCF-style: chr19-19197601-G-A. GRCh37 (hg19) VCF-style: chr19-19308410-G-A.
Other names: c.418G>A, p.Val140Ile (NM_001370238.1, NM_001370233.1); c.349G>A, p.Val117Ile (NM_134440.3, NM_001278728.2); c.352G>A, p.Val118Ile (NM_001278727.2, NM_001370234.1); c.415G>A, p.Val139Ile (NM_001370235.1, NM_001370236.1, NM_001370237.1); short protein forms V118I, V139I, V117I, V140I.
Identifiers: ClinVar variation 1901621 (VCV001901621.4), dbSNP rs1382983710, ClinGen allele CA404894988.